The following is an entry in ClinVar:

NM_001077620.3(PRCD):c.85G>C (p.Asp29His)

Genes: CYGB (cytoglobin; minus strand), PRCD (photoreceptor disc component; plus strand). Cytogenetic location: 17q25.1.
Variant type: single nucleotide variant.
Coding change: c.85G>C on transcript NM_001077620.3 (MANE Select); coding-DNA position 85, G replaced by C.
Protein change: p.Asp29His; replaces aspartic acid 29 with histidine.
Molecular consequence: missense variant. On other transcripts: non-coding transcript variant (1).
Genome position (GRCh38, 1-based): chr17:76,540,515, G>C. VCF-style: chr17-76540515-G-C. GRCh37 (hg19) VCF-style: chr17-74536597-G-C.
Other names: short protein forms D29H.
Identifiers: ClinVar variation 891112 (VCV000891112.10), dbSNP rs372084413, ClinGen allele CA8787906.

ClinVar aggregate classification (germline): Uncertain significance. Review status: criteria provided, multiple submitters, no conflicts (2 of 4 stars). 4 submissions from 4 submitters: Uncertain significance (4). Last evaluated 2025-12-16.

Conditions:
Inborn genetic diseases. Identifiers: MedGen C0950123, MeSH D030342.
Retinitis pigmentosa (RP). Identifiers: Orphanet 791, MedGen C0035334, MeSH D012174, MONDO:0019200, OMIM 268000. Inheritance: Autosomal dominant, autosomal recessive and X linked inheritance.

Allele frequency attached by ClinVar (database versions not stated): TOPMed 0.00005; 1000 Genomes Project 30x 0.00016.
gnomAD v4.1: 60 of 1,613,696 alleles (0.0037%); highest among the groups gnomAD compares: Middle Eastern, 0.016%; no homozygotes.

Submissions (4):

Ambry Genetics
Classification: Uncertain significance for Inborn genetic diseases. Last evaluated: 2025-12-16. Review status: criteria provided, single submitter. Criteria: Ambry Variant Classification Scheme 2023. Collection method: clinical testing. Allele origin: germline.

Labcorp Genetics (formerly Invitae), Labcorp
Classification: Uncertain significance. Last evaluated: 2024-01-02. Review status: criteria provided, single submitter. Criteria: Invitae Variant Classification Sherloc (09022015). Collection method: clinical testing. Allele origin: germline.
Comment: This sequence change replaces aspartic acid, which is acidic and polar, with histidine, which is basic and polar, at codon 29 of the PRCD protein (p.Asp29His). This variant is present in population databases (rs372084413, gnomAD 0.01%). This variant has not been reported in the literature in individuals affected with PRCD-related conditions. ClinVar contains an entry for this variant (Variation ID: 891112). An algorithm developed to predict the effect of missense changes on protein structure and function (PolyPhen-2) suggests that this variant¬†is likely to be tolerated. In summary, the available evidence is currently insufficient to determine the role of this variant in disease. Therefore, it has been classified as a Variant of Uncertain Significance.

Illumina Laboratory Services, Illumina
Classification: Uncertain significance for Retinitis pigmentosa. Last evaluated: 2018-01-12. Review status: criteria provided, single submitter. Criteria: ICSL Variant Classification Criteria 13 December 2019. Collection method: clinical testing. Allele origin: germline.

Breakthrough Genomics
Classification: Uncertain significance. Review status: criteria provided, single submitter. Criteria: ACMG Guidelines, 2015. Collection method: not provided. Allele origin: germline. Inheritance: Unknown mechanism. Affected: yes.